The following is an entry in ClinVar:

ClinVar aggregate classification (germline): Uncertain significance. Review status: criteria provided, multiple submitters, no conflicts (2 of 4 stars). 3 submissions from 3 submitters: Uncertain significance (3). Last evaluated 2025-05-07.

Conditions:
Inborn genetic diseases. Identifiers: MedGen C0950123, MeSH D030342.
X-linked lymphoproliferative disease due to XIAP deficiency. Also called: XIAP-Related Lymphoproliferative Disease, X-Linked; XIAP DEFICIENCY. Identifiers: Orphanet 2442, Orphanet 538934, MedGen C1845076, MONDO:0010385, OMIM 300635.

Allele frequency attached by ClinVar (database versions not stated): gnomAD exomes below 0.00001 and 0.00001; ExAC 0.00001; gnomAD 0.00003; TOPMed 0.00009.

Submissions (3):

Ambry Genetics
Classification: Uncertain significance for Inborn genetic diseases. Last evaluated: 2025-05-07. Review status: criteria provided, single submitter. Criteria: Ambry Variant Classification Scheme 2023. Collection method: clinical testing. Allele origin: germline.

Labcorp Genetics (formerly Invitae), Labcorp
Classification: Uncertain significance for X-linked lymphoproliferative disease due to XIAP deficiency. Last evaluated: 2025-04-27. Review status: criteria provided, single submitter. Criteria: Invitae Variant Classification Sherloc (09022015). Collection method: clinical testing. Allele origin: germline.
Comment: This sequence change replaces serine, which is neutral and polar, with asparagine, which is neutral and polar, at codon 385 of the XIAP protein (p.Ser385Asn). This variant is present in population databases (rs772035642, gnomAD 0.008%). This variant has not been reported in the literature in individuals affected with XIAP-related conditions. ClinVar contains an entry for this variant (Variation ID: 859597). Invitae Evidence Modeling of protein sequence and biophysical properties (such as structural, functional, and spatial information, amino acid conservation, physicochemical variation, residue mobility, and thermodynamic stability) indicates that this missense variant is not expected to disrupt XIAP protein function with a negative predictive value of 80%. In summary, the available evidence is currently insufficient to determine the role of this variant in disease. Therefore, it has been classified as a Variant of Uncertain Significance.

Blueprint Genetics
Classification: Uncertain significance. Last evaluated: 2020-12-08. Review status: criteria provided, single submitter. Criteria: ACMG Guidelines, 2015. Collection method: clinical testing. Allele origin: germline.

NM_001167.4(XIAP):c.1154G>A (p.Ser385Asn)

Gene: XIAP (X-linked inhibitor of apoptosis; plus strand). Cytogenetic location: Xq25.
Variant type: single nucleotide variant.
Coding change: c.1154G>A on transcript NM_001167.4 (MANE Select); coding-DNA position 1154, G replaced by A.
Protein change: p.Ser385Asn; replaces serine 385 with asparagine.
Molecular consequence: missense variant. On other transcripts: non-coding transcript variant (2).
Genome position (GRCh38, 1-based): chrX:123,900,547, G>A. VCF-style: chrX-123900547-G-A. GRCh37 (hg19) VCF-style: chrX-123034397-G-A.
Other names: c.1154G>A, p.Ser385Asn (NM_001204401.2, NM_001378590.1, NM_001378591.1 and 1 more transcripts); short protein forms S385N.
Identifiers: ClinVar variation 859597 (VCV000859597.10), dbSNP rs772035642, ClinGen allele CA10508153.
Genomic context (GRCh38, chrX:123,900,547, plus strand): 5'-TTTCAGATGATACCATCTTCCAAAATCCTATGGTACAAGAAGCTATACGAATGGGGTTCA[G>A]TTTCAAGGACATTAAGAAAATAATGGAGGAAAAAATTCAGATATCTGGGAGCAACTATAA-3'
Protein context (NP_001158.2, residues 375-395): MVQEAIRMGF[Ser385Asn]FKDIKKIMEE